The following is an entry in ClinVar:

ClinVar aggregate classification (germline): Uncertain significance. Review status: criteria provided, multiple submitters, no conflicts (2 of 4 stars). 2 submissions from 2 submitters: Uncertain significance (2). Last evaluated 2025-06-26.

Conditions:
Inborn genetic diseases. Identifiers: MedGen C0950123, MeSH D030342.

Allele frequency attached by ClinVar (database versions not stated): gnomAD exomes below 0.00001 and 0.00001; ExAC 0.00002; gnomAD 0.00002; TOPMed 0.00002; ESP Exome Variant Server 0.00008.
gnomAD v4.1: 4 of 1,610,112 alleles (0.00025%); highest among the groups gnomAD compares: African/African-American, 0.0054%; no homozygotes.

Submissions (2):

Ambry Genetics
Classification: Uncertain significance for Inborn genetic diseases. Last evaluated: 2025-06-26. Review status: criteria provided, single submitter. Criteria: Ambry Variant Classification Scheme 2023. Collection method: clinical testing. Allele origin: germline.

Labcorp Genetics (formerly Invitae), Labcorp
Classification: Uncertain significance. Last evaluated: 2022-07-26. Review status: criteria provided, single submitter. Criteria: Invitae Variant Classification Sherloc (09022015). Collection method: clinical testing. Allele origin: germline.
Comment: This sequence change replaces proline, which is neutral and non-polar, with leucine, which is neutral and non-polar, at codon 738 of the TBCK protein (p.Pro738Leu). This variant is present in population databases (rs371618959, gnomAD 0.008%). This variant has not been reported in the literature in individuals affected with TBCK-related conditions. ClinVar contains an entry for this variant (Variation ID: 1515665). Algorithms developed to predict the effect of missense changes on protein structure and function (SIFT, PolyPhen-2, Align-GVGD) all suggest that this variant is likely to be tolerated. In summary, the available evidence is currently insufficient to determine the role of this variant in disease. Therefore, it has been classified as a Variant of Uncertain Significance.

NM_001163435.3(TBCK):c.2213C>T (p.Pro738Leu)

Gene: TBCK (TBC1 domain containing kinase; minus strand). Cytogenetic location: 4q24.
Variant type: single nucleotide variant.
Coding change: c.2213C>T on transcript NM_001163435.3 (MANE Select); coding-DNA position 2213, C replaced by T.
Protein change: p.Pro738Leu; replaces proline 738 with leucine.
Molecular consequence: missense variant.
Genome position (GRCh38, 1-based): chr4:106,171,117, G>A on the plus strand (C>T on the coding strand, the complement: TBCK is on the minus strand). VCF-style: chr4-106171117-G-A. GRCh37 (hg19) VCF-style: chr4-107092274-G-A.
Other names: c.2213C>T, p.Pro738Leu (NM_001163436.4); c.2096C>T, p.Pro699Leu (NM_001163437.3); c.1697C>T, p.Pro566Leu (NM_001290768.2); c.2024C>T, p.Pro675Leu (NM_033115.5); c.2213C>T (NM_001163435.1); short protein forms P699L, P566L, P738L, P675L.
Identifiers: ClinVar variation 1515665 (VCV001515665.6), dbSNP rs371618959, ClinGen allele CA3034775.